The following is an entry in ClinVar:

NM_017491.5(WDR1):c.1252G>A (p.Gly418Arg)

Gene: WDR1 (WD repeat domain 1; minus strand). Cytogenetic location: 4p16.1.
Variant type: single nucleotide variant.
Coding change: c.1252G>A on transcript NM_017491.5 (MANE Select); coding-DNA position 1252, G replaced by A.
Protein change: p.Gly418Arg; replaces glycine 418 with arginine.
Molecular consequence: missense variant.
Genome position (GRCh38, 1-based): chr4:10,081,389, C>T on the plus strand (G>A on the coding strand, the complement: WDR1 is on the minus strand). VCF-style: chr4-10081389-C-T. GRCh37 (hg19) VCF-style: chr4-10083013-C-T.
Other names: c.832G>A, p.Gly278Arg (NM_005112.5); c.1252G>A (NM_017491.3); short protein forms G278R, G418R.
Identifiers: ClinVar variation 2421456 (VCV002421456.6), dbSNP rs753036384, ClinGen allele CA2857667.

ClinVar aggregate classification (germline): Uncertain significance. Review status: criteria provided, multiple submitters, no conflicts (2 of 4 stars). 2 submissions from 2 submitters: Uncertain significance (2). Last evaluated 2025-01-19.

Conditions:
Inborn genetic diseases. Identifiers: MedGen C0950123, MeSH D030342.

gnomAD v4.1: 14 of 1,613,802 alleles (0.00087%); highest among the groups gnomAD compares: African/African-American, 0.0093%; no homozygotes.

Submissions (2):

Ambry Genetics
Classification: Uncertain significance for Inborn genetic diseases. Last evaluated: 2025-01-19. Review status: criteria provided, single submitter. Criteria: Ambry Variant Classification Scheme 2023. Collection method: clinical testing. Allele origin: germline.

Labcorp Genetics (formerly Invitae), Labcorp
Classification: Uncertain significance. Last evaluated: 2024-11-05. Review status: criteria provided, single submitter. Criteria: Invitae Variant Classification Sherloc (09022015). Collection method: clinical testing. Allele origin: germline.
Comment: This sequence change replaces glycine, which is neutral and non-polar, with arginine, which is basic and polar, at codon 418 of the WDR1 protein (p.Gly418Arg). This variant is present in population databases (rs753036384, gnomAD 0.005%). This variant has not been reported in the literature in individuals affected with WDR1-related conditions. ClinVar contains an entry for this variant (Variation ID: 2421456). An algorithm developed to predict the effect of missense changes on protein structure and function (PolyPhen-2) suggests that this variant is likely to be tolerated. In summary, the available evidence is currently insufficient to determine the role of this variant in disease. Therefore, it has been classified as a Variant of Uncertain Significance.